The following is an entry in ClinVar:

NM_000094.4(COL7A1):c.1905T>C (p.Ser635=)

Gene: COL7A1 (collagen type VII alpha 1 chain; minus strand). Cytogenetic location: 3p21.31.
Variant type: single nucleotide variant.
Coding change: c.1905T>C on transcript NM_000094.4 (MANE Select); coding-DNA position 1905, T replaced by C.
Protein change: p.Ser635=; no amino-acid change (serine 635 retained).
Molecular consequence: synonymous variant.
Genome position (GRCh38, 1-based): chr3:48,590,460, A>G on the plus strand (T>C on the coding strand, the complement: COL7A1 is on the minus strand). VCF-style: chr3-48590460-A-G. GRCh37 (hg19) VCF-style: chr3-48627893-A-G.
Other names: c.1905T>C (NM_000094.3).
Identifiers: ClinVar variation 1481605 (VCV001481605.9), dbSNP rs2107780154, ClinGen allele CA433618227.

ClinVar aggregate classification (germline): Uncertain significance. Review status: criteria provided, single submitter (1 of 4 stars). 2 submissions from 2 submitters: Uncertain significance (1). 1 of the submissions does not count toward it. Last evaluated 2021-03-26.

Conditions:
Epidermolysis bullosa dystrophica. Also called: Dystrophic epidermolysis bullosa, Hallopeau-Siemens type (formerly); Dystrophic epidermolysis bullosa. Identifiers: Orphanet 303, MedGen C0079294, MONDO:0006543.

Submissions (2):

Labcorp Genetics (formerly Invitae), Labcorp
Classification: Uncertain significance. Last evaluated: 2021-03-26. Review status: criteria provided, single submitter. Criteria: Invitae Variant Classification Sherloc (09022015). Collection method: clinical testing. Allele origin: germline.
Comment: In summary, the available evidence is currently insufficient to determine the role of this variant in disease. Therefore, it has been classified as a Variant of Uncertain Significance. Algorithms developed to predict the effect of sequence changes on RNA splicing suggest that this variant is not likely to affect RNA splicing, but this prediction has not been confirmed by published transcriptional studies. This variant has not been reported in the literature in individuals with COL7A1-related conditions. This variant is not present in population databases (ExAC no frequency). This sequence change affects codon 635 of the COL7A1 mRNA. It is a 'silent' change, meaning that it does not change the encoded amino acid sequence of the COL7A1 protein.

Natera, Inc.
Classification: Uncertain significance for Dystrophic epidermolysis bullosa. Last evaluated: 2025-04-10. Review status: no assertion criteria provided. Collection method: clinical testing. Allele origin: germline. Not counted in ClinVar's aggregate classification.